The following is an entry in ClinVar:

ClinVar aggregate classification (germline): Uncertain significance (1 of 4 stars; one submission).

Conditions:
Emery-Dreifuss muscular dystrophy (EDMD). Also called: Scapuloperoneal syndrome, X-linked (formerly); Humeroperoneal neuromuscular disease, (formerly). Identifiers: Orphanet 261, MedGen C0410189, MONDO:0016830.

Allele frequency attached by ClinVar (database versions not stated): TOPMed 0.00002; ExAC 0.00005.
gnomAD v4.1: 18 of 1,614,148 alleles (0.0011%); highest among the groups gnomAD compares: Admixed American, 0.03%; no homozygotes.

Submission:

Labcorp Genetics (formerly Invitae), Labcorp
Classification: Uncertain significance for Emery-Dreifuss muscular dystrophy. Last evaluated: 2025-11-24. Review status: criteria provided, single submitter. Criteria: Invitae Variant Classification Sherloc (09022015). Collection method: clinical testing. Allele origin: germline.
Comment: This sequence change replaces leucine, which is neutral and non-polar, with methionine, which is neutral and non-polar, at codon 556 of the SUN1 protein (p.Leu556Met). This variant is present in population databases (rs777583914, gnomAD 0.05%). This variant has not been reported in the literature in individuals affected with SUN1-related conditions. ClinVar contains an entry for this variant (Variation ID: 952945). An algorithm developed to predict the effect of missense changes on protein structure and function (PolyPhen-2) suggests that this variant is likely to be disruptive. In summary, the available evidence is currently insufficient to determine the role of this variant in disease. Therefore, it has been classified as a Variant of Uncertain Significance.

NM_001130965.3(SUN1):c.1666C>A (p.Leu556Met)

Gene: SUN1 (Sad1 and UNC84 domain containing 1; plus strand). Cytogenetic location: 7p22.3.
Variant type: single nucleotide variant.
Coding change: c.1666C>A on transcript NM_001130965.3 (MANE Select); coding-DNA position 1666, C replaced by A.
Protein change: p.Leu556Met; replaces leucine 556 with methionine.
Molecular consequence: missense variant. On other transcripts: non-coding transcript variant (3).
Genome position (GRCh38, 1-based): chr7:860,269, C>A. VCF-style: chr7-860269-C-A. GRCh37 (hg19) VCF-style: chr7-899906-C-A.
Other names: c.1357C>A, p.Leu453Met (NM_001171944.2); c.1666C>A, p.Leu556Met (NM_001367633.1, NM_001367634.1, NM_001367653.1); c.1315C>A, p.Leu439Met (NM_001367635.1); c.1906C>A, p.Leu636Met (NM_001367636.1, NM_001367691.1); c.1774C>A, p.Leu592Met (NM_001367638.1); c.1207C>A, p.Leu403Met (NM_001367639.1); c.1846C>A, p.Leu616Met (NM_001367640.1); c.1948C>A, p.Leu650Met (NM_001367641.1, NM_001367682.1); and 43 more; short protein forms L367M, L473M, L495M, L543M, L582M, L584M, L616M, L626M.
Identifiers: ClinVar variation 952945 (VCV000952945.7), dbSNP rs777583914, ClinGen allele CA4112324.